The following is an entry in ClinVar:

NM_001458.5(FLNC):c.2876A>G (p.Asn959Ser)

Gene: FLNC (filamin C; plus strand). Cytogenetic location: 7q32.1.
Variant type: single nucleotide variant.
Coding change: c.2876A>G on transcript NM_001458.5 (MANE Select); coding-DNA position 2876, A replaced by G.
Protein change: p.Asn959Ser; replaces asparagine 959 with serine.
Molecular consequence: missense variant.
Genome position (GRCh38, 1-based): chr7:128,843,860, A>G. VCF-style: chr7-128843860-A-G. GRCh37 (hg19) VCF-style: chr7-128483914-A-G.
Other names: c.2876A>G, p.Asn959Ser (NM_001127487.2); short protein forms N959S.
Identifiers: ClinVar variation 1703328 (VCV001703328.5), dbSNP rs2536634812, ClinGen allele CA369193476.

ClinVar aggregate classification (germline): Uncertain significance. Review status: criteria provided, multiple submitters, no conflicts (2 of 4 stars). 2 submissions from 2 submitters: Uncertain significance (2). Last evaluated 2023-04-23.

Conditions:
Myofibrillar myopathy 5. Also called: Filaminopathy (type); FILAMINOPATHY, AUTOSOMAL DOMINANT. Identifiers: Orphanet 171445, MedGen C1836050, MONDO:0012289, OMIM 609524.
Distal myopathy with posterior leg and anterior hand involvement. Also called: WILLIAMS DISTAL MYOPATHY. Identifiers: Orphanet 63273, MedGen C3279722, MONDO:0013550, OMIM 614065.
Hypertrophic cardiomyopathy 26. Also called: Cardiomyopathy, familial hypertrophic, 26. Identifiers: Orphanet 75249, MedGen C4310749, MONDO:0014883, OMIM 617047.

Allele frequency attached by ClinVar (database versions not stated): gnomAD exomes below 0.00001.
gnomAD v4.1: 1 of 1,614,022 alleles (0.000062%); highest among the groups gnomAD compares: Non-Finnish European, 0.000085%; no homozygotes.

Submissions (2):

Labcorp Genetics (formerly Invitae), Labcorp
Classification: Uncertain significance for Distal myopathy with posterior leg and anterior hand involvement; Myofibrillar myopathy 5; Hypertrophic cardiomyopathy 26. Last evaluated: 2023-04-23. Review status: criteria provided, single submitter. Criteria: Invitae Variant Classification Sherloc (09022015). Collection method: clinical testing. Allele origin: germline.
Comment: This variant has not been reported in the literature in individuals affected with FLNC-related conditions. ClinVar contains an entry for this variant (Variation ID: 1703328). Advanced modeling of protein sequence and biophysical properties (such as structural, functional, and spatial information, amino acid conservation, physicochemical variation, residue mobility, and thermodynamic stability) has been performed at Invitae for this missense variant, however the output from this modeling did not meet the statistical confidence thresholds required to predict the impact of this variant on FLNC protein function. Algorithms developed to predict the effect of sequence changes on RNA splicing suggest that this variant may create or strengthen a splice site. This variant is not present in population databases (gnomAD no frequency). This sequence change replaces asparagine, which is neutral and polar, with serine, which is neutral and polar, at codon 959 of the FLNC protein (p.Asn959Ser). In summary, the available evidence is currently insufficient to determine the role of this variant in disease. Therefore, it has been classified as a Variant of Uncertain Significance.

GeneDx
Classification: Uncertain significance. Last evaluated: 2022-08-29. Review status: criteria provided, single submitter. Criteria: GeneDx Variant Classification Process June 2021. Collection method: clinical testing. Allele origin: germline. Affected: yes.
Comment: Has not been previously published as pathogenic or benign to our knowledge; Not observed at significant frequency in large population cohorts (gnomAD); In silico analysis supports that this missense variant does not alter protein structure/function; In silico analysis supports a deleterious effect on splicing